The following is an entry in ClinVar:

NM_001360016.2(G6PD):c.424T>G (p.Leu142Val)

Gene: G6PD (glucose-6-phosphate dehydrogenase; minus strand). Cytogenetic location: Xq28.
Variant type: single nucleotide variant.
Coding change: c.424T>G on transcript NM_001360016.2 (MANE Select); coding-DNA position 424, T replaced by G.
Protein change: p.Leu142Val; replaces leucine 142 with valine.
Molecular consequence: missense variant.
Genome position (GRCh38, 1-based): chrX:154,535,229, A>C on the plus strand (T>G on the coding strand, the complement: G6PD is on the minus strand). VCF-style: chrX-154535229-A-C. GRCh37 (hg19) VCF-style: chrX-153763444-A-C.
Other names: c.514T>G, p.Leu172Val (NM_000402.4); c.424T>G, p.Leu142Val (NM_001042351.3); short protein forms L172V, L142V.
Identifiers: ClinVar variation 2174752 (VCV002174752.7), dbSNP rs1197584792, ClinGen allele CA415238506.

ClinVar aggregate classification (germline): Uncertain significance. Review status: criteria provided, multiple submitters, no conflicts (2 of 4 stars). 2 submissions from 2 submitters: Uncertain significance (2). Last evaluated 2026-02-26.

Conditions:
Anemia, nonspherocytic hemolytic, due to G6PD deficiency (CNSHA1). Also called: Hemolytic anemia due to G6PD deficiency; ANEMIA, CONGENITAL, NONSPHEROCYTIC HEMOLYTIC, 1; Class I glucose-6-phosphate dehydrogenase deficiency; Favism, susceptibility to. Identifiers: Orphanet 466026, MedGen C2720289, MONDO:0010480, OMIM 300908.
G6PD-related disorder. Also called: G6PD-related condition.

Allele frequency attached by ClinVar (database versions not stated): gnomAD exomes below 0.00001; TOPMed 0.00001.
gnomAD v4.1: 1 of 1,211,938 alleles (0.000083%); highest among the groups gnomAD compares: Non-Finnish European, 0.00011%; no homozygotes.

Submissions (2):

PreventionGenetics, part of Exact Sciences
Classification: Uncertain significance for G6PD-related condition. Last evaluated: 2026-02-26. Review status: criteria provided, single submitter. Criteria: ACMG Guidelines, 2015. Collection method: clinical testing. Allele origin: germline.
Comment: The G6PD c.424T>G variant is predicted to result in the amino acid substitution p.Leu142Val. To our knowledge, this variant has not been reported in the literature or in a large population database (gnomAD), indicating this variant is rare. At this time, the clinical significance of this variant is uncertain due to the absence of conclusive functional and genetic evidence.

Labcorp Genetics (formerly Invitae), Labcorp
Classification: Uncertain significance for Anemia, nonspherocytic hemolytic, due to G6PD deficiency. Last evaluated: 2023-08-10. Review status: criteria provided, single submitter. Criteria: Invitae Variant Classification Sherloc (09022015). Collection method: clinical testing. Allele origin: germline.
Comment: This variant is not present in population databases (gnomAD no frequency). This sequence change replaces leucine, which is neutral and non-polar, with valine, which is neutral and non-polar, at codon 142 of the G6PD protein (p.Leu142Val). This variant has not been reported in the literature in individuals affected with G6PD-related conditions. ClinVar contains an entry for this variant (Variation ID: 2174752). Advanced modeling of protein sequence and biophysical properties (such as structural, functional, and spatial information, amino acid conservation, physicochemical variation, residue mobility, and thermodynamic stability) performed at Invitae indicates that this missense variant is expected to disrupt G6PD protein function. In summary, the available evidence is currently insufficient to determine the role of this variant in disease. Therefore, it has been classified as a Variant of Uncertain Significance.